The following is an entry in ClinVar:

NM_001378609.3(OTOGL):c.5743C>T (p.Arg1915Ter)

Gene: OTOGL (otogelin like; plus strand). Cytogenetic location: 12q21.31.
Variant type: single nucleotide variant.
Coding change: c.5743C>T on transcript NM_001378609.3 (MANE Select); coding-DNA position 5743, C replaced by T.
Protein change: p.Arg1915Ter; replaces arginine 1915 with a stop codon.
Molecular consequence: nonsense.
Genome position (GRCh38, 1-based): chr12:80,355,885, C>T. VCF-style: chr12-80355885-C-T. GRCh37 (hg19) VCF-style: chr12-80749665-C-T.
Other names: c.5743C>T, p.Arg1915Ter (NM_001378610.3, NM_173591.7); c.5608C>T, p.Arg1870Ter (NM_001368062.3); short protein forms R1906*, R1870*, R1915*.
Identifiers: ClinVar variation 424475 (VCV000424475.8), dbSNP rs1064796988, ClinGen allele CA16619593.

ClinVar aggregate classification (germline): Pathogenic/Likely pathogenic. Review status: criteria provided, multiple submitters, no conflicts (2 of 4 stars). 3 submissions from 3 submitters: Pathogenic (2); Likely pathogenic (1). Last evaluated 2026-08-01.

Allele frequency attached by ClinVar (database versions not stated): gnomAD 0.00001; gnomAD exomes 0.00001 and 0.00002; TOPMed 0.00002.
gnomAD v4.1: 26 of 1,613,740 alleles (0.0016%); highest among the groups gnomAD compares: East Asian, 0.0045%; no homozygotes.

Submissions (3):

CeGaT Center for Human Genetics Tuebingen
Classification: Pathogenic. Last evaluated: 2026-08-01. Review status: criteria provided, single submitter. Criteria: CeGaT Center For Human Genetics Tuebingen Variant Classification Criteria Version 2. Collection method: clinical testing. Allele origin: germline. Affected: yes. Observed: 1 variant allele.
Comment: OTOGL: PVS1, PM2

Labcorp Genetics (formerly Invitae), Labcorp
Classification: Pathogenic. Last evaluated: 2024-05-15. Review status: criteria provided, single submitter. Criteria: Invitae Variant Classification Sherloc (09022015). Collection method: clinical testing. Allele origin: germline.
Comment: This sequence change creates a premature translational stop signal (p.Arg1906*) in the OTOGL gene. It is expected to result in an absent or disrupted protein product. Loss-of-function variants in OTOGL are known to be pathogenic (PMID: 23122586). This variant is present in population databases (no rsID available, gnomAD 0.005%). This variant has not been reported in the literature in individuals affected with OTOGL-related conditions. ClinVar contains an entry for this variant (Variation ID: 424475). For these reasons, this variant has been classified as Pathogenic.

GeneDx
Classification: Likely pathogenic. Last evaluated: 2017-03-23. Review status: criteria provided, single submitter. Criteria: GeneDx Variant Classification (06012015). Collection method: clinical testing. Allele origin: germline. Affected: yes.
Comment: The R1906X variant in the OTOGL gene has not been reported previously as a pathogenic variant nor as a benign variant, to our knowledge. This variant is predicted to cause loss of normal protein function either through protein truncation or nonsense-mediated mRNA decay. The R1906X variant is not observed in large population cohorts (Lek et al., 2016; 1000 Genomes Consortium et al., 2015; Exome Variant Server). The R1906X variant is a strong candidate for a pathogenic variant, however the possibility it may be a rare benign variant cannot be excluded.

Literature cited by the submitters: PubMed 23122586 (cited by Labcorp Genetics (formerly Invitae), Labcorp).